The following is an entry in ClinVar:

NM_001004127.3(ALG11):c.1452A>G (p.Leu484=)

Genes: ALG11 (ALG11 alpha-1,2-mannosyltransferase; plus strand), UTP14C (UTP14C small subunit processome component; plus strand). Cytogenetic location: 13q14.3.
Variant type: single nucleotide variant.
Coding change: c.1452A>G on transcript NM_001004127.3 (MANE Select); coding-DNA position 1452, A replaced by G.
Protein change: p.Leu484=; no amino-acid change (leucine 484 retained).
Molecular consequence: synonymous variant. On other transcripts: non-coding transcript variant (1), 5 prime UTR variant (1).
Genome position (GRCh38, 1-based): chr13:52,028,563, A>G. VCF-style: chr13-52028563-A-G. GRCh37 (hg19) VCF-style: chr13-52602699-A-G.
Other names: c.-242A>G (NM_021645.6).
Identifiers: ClinVar variation 715371 (VCV000715371.30), dbSNP rs188332164, ClinGen allele CA6990087.
Genomic context (GRCh38, chr13:52,028,563, plus strand): 5'-AAAAAGTGCTCGTGCATCTGTAAGCAGATTCTCTGATCAGGAATTTGAAGTGACATTCCT[A>G]TCATCTGTGGAAAAGTTATTTAAGTAATGCCATATCTGTAAAATTAAAGATATTTTATAT-3'
Protein context (NP_001004127.2, residues 474-492): FSDQEFEVTF[Leu484=]SSVEKLFK

ClinVar aggregate classification (germline): Likely benign. Review status: criteria provided, multiple submitters, no conflicts (2 of 4 stars). 2 submissions from 2 submitters: Likely benign (2). Last evaluated 2025-09-25.

Conditions:
ALG11-congenital disorder of glycosylation. Also called: CONGENITAL DISORDER OF GLYCOSYLATION, TYPE Ip; ALG11-CDG. Identifiers: Orphanet 280071, MedGen C3150913, MONDO:0013349, OMIM 613661.

Allele frequency attached by ClinVar (database versions not stated): 1000 Genomes Project 30x 0.00016; TOPMed 0.00017; ExAC 0.00019; gnomAD 0.00019 and 0.00023; 1000 Genomes Project 0.00020; ESP Exome Variant Server 0.00023.
gnomAD v4.1: 295 of 1,614,186 alleles (0.018%); highest among the groups gnomAD compares: East Asian, 0.26%; no homozygotes.

Submissions (2):

Labcorp Genetics (formerly Invitae), Labcorp
Classification: Likely benign for ALG11-congenital disorder of glycosylation. Last evaluated: 2025-09-25. Review status: criteria provided, single submitter. Criteria: Invitae Variant Classification Sherloc (09022015). Collection method: clinical testing. Allele origin: germline.

CeGaT Center for Human Genetics Tuebingen
Classification: Likely benign. Last evaluated: 2022-05-01. Review status: criteria provided, single submitter. Criteria: CeGaT Center For Human Genetics Tuebingen Variant Classification Criteria Version 2. Collection method: clinical testing. Allele origin: germline. Affected: yes. Observed: 1 variant allele.
Comment: ALG11: BP4, BP7